The following is an entry in ClinVar:

ClinVar aggregate classification (germline): Uncertain significance (1 of 4 stars; one submission).

Conditions:
Bloom syndrome (BLM). Also called: Bloom-Torre-Machacek syndrome. Identifiers: Orphanet 125, MedGen C0005859, MONDO:0008876, OMIM 210900.

gnomAD v4.1: 1 of 1,614,104 alleles (0.000062%); highest among the groups gnomAD compares: Non-Finnish European, 0.000085%; no homozygotes.

Submission:

Labcorp Genetics (formerly Invitae), Labcorp
Classification: Uncertain significance for Bloom syndrome. Last evaluated: 2023-12-07. Review status: criteria provided, single submitter. Criteria: Invitae Variant Classification Sherloc (09022015). Collection method: clinical testing. Allele origin: germline.
Comment: This sequence change replaces methionine, which is neutral and non-polar, with valine, which is neutral and non-polar, at codon 656 of the BLM protein (p.Met656Val). This variant is not present in population databases (gnomAD no frequency). This variant has not been reported in the literature in individuals affected with BLM-related conditions. ClinVar contains an entry for this variant (Variation ID: 1427994). Advanced modeling of protein sequence and biophysical properties (such as structural, functional, and spatial information, amino acid conservation, physicochemical variation, residue mobility, and thermodynamic stability) performed at Invitae indicates that this missense variant is not expected to disrupt BLM protein function with a negative predictive value of 80%. In summary, the available evidence is currently insufficient to determine the role of this variant in disease. Therefore, it has been classified as a Variant of Uncertain Significance.

NM_000057.4(BLM):c.1966A>G (p.Met656Val)

Gene: BLM (BLM RecQ like helicase; plus strand). Cytogenetic location: 15q26.1.
Variant type: single nucleotide variant.
Coding change: c.1966A>G on transcript NM_000057.4 (MANE Select); coding-DNA position 1966, A replaced by G.
Protein change: p.Met656Val; replaces methionine 656 with valine.
Molecular consequence: missense variant.
Genome position (GRCh38, 1-based): chr15:90,763,049, A>G. VCF-style: chr15-90763049-A-G. GRCh37 (hg19) VCF-style: chr15-91306279-A-G.
Other names: c.1966A>G, p.Met656Val (NM_001287246.2, NM_001287247.2); c.841A>G, p.Met281Val (NM_001287248.2); short protein forms M281V, M656V.
Identifiers: ClinVar variation 1427994 (VCV001427994.6), dbSNP rs2151160648, ClinGen allele CA393844245.